The following is an entry in ClinVar:

NM_182643.3(DLC1):c.1784G>A (p.Arg595His)

Gene: DLC1 (DLC1 Rho GTPase activating protein; minus strand). Cytogenetic location: 8p22.
Variant type: single nucleotide variant.
Coding change: c.1784G>A on transcript NM_182643.3 (MANE Select); coding-DNA position 1784, G replaced by A.
Protein change: p.Arg595His; replaces arginine 595 with histidine.
Molecular consequence: missense variant.
Genome position (GRCh38, 1-based): chr8:13,100,553, C>T on the plus strand (G>A on the coding strand, the complement: DLC1 is on the minus strand). VCF-style: chr8-13100553-C-T. GRCh37 (hg19) VCF-style: chr8-12958062-C-T.
Other names: c.251G>A, p.Arg84His (NM_001164271.2, NM_001348082.2, NM_001348083.1 and 6 more transcripts); c.575G>A, p.Arg192His (NM_001316668.2, NM_001413129.1); c.1784G>A, p.Arg595His (NM_001348081.2, NM_001413124.1); c.566G>A, p.Arg189His (NM_001413130.1); c.224G>A, p.Arg75His (NM_001413131.1, NM_001413137.1); c.710G>A, p.Arg237His (NM_001413132.1); c.473G>A, p.Arg158His (NM_001413135.1, NM_001413136.1, NM_001413139.1 and 1 more transcripts); c.608G>A, p.Arg203His (NM_001413140.1); short protein forms R203H, R237H, R84H, R595H, R75H, R158H, R189H, R192H.
Identifiers: ClinVar variation 2897087 (VCV002897087.3), dbSNP rs1056583874, ClinGen allele CA370347366.

ClinVar aggregate classification (germline): Uncertain significance (1 of 4 stars; one submission).

gnomAD v4.1: 5 of 1,613,028 alleles (0.00031%); highest among the groups gnomAD compares: South Asian, 0.0022%; no homozygotes.

Submission:

Labcorp Genetics (formerly Invitae), Labcorp
Classification: Uncertain significance. Last evaluated: 2023-05-31. Review status: criteria provided, single submitter. Criteria: Invitae Variant Classification Sherloc (09022015). Collection method: clinical testing. Allele origin: germline.
Comment: In summary, the available evidence is currently insufficient to determine the role of this variant in disease. Therefore, it has been classified as a Variant of Uncertain Significance. Algorithms developed to predict the effect of missense changes on protein structure and function output the following: SIFT: "Not Available"; PolyPhen-2: "Benign"; Align-GVGD: "Not Available". The histidine amino acid residue is found in multiple mammalian species, which suggests that this missense change does not adversely affect protein function. This variant has not been reported in the literature in individuals affected with DLC1-related conditions. This variant is present in population databases (no rsID available, gnomAD 0.003%). This sequence change replaces arginine, which is basic and polar, with histidine, which is basic and polar, at codon 595 of the DLC1 protein (p.Arg595His).